The following is an entry in ClinVar:

ClinVar aggregate classification (germline): Uncertain significance (1 of 4 stars; one submission).

gnomAD v4.1: 1 of 1,613,106 alleles (0.000062%); highest among the groups gnomAD compares: Non-Finnish European, 0.000085%; no homozygotes.

Submission:

GeneDx
Classification: Uncertain significance. Last evaluated: 2024-02-14. Review status: criteria provided, single submitter. Criteria: GeneDx Variant Classification Process June 2021. Collection method: clinical testing. Allele origin: germline. Affected: yes.
Comment: Not observed at significant frequency in large population cohorts (gnomAD); In silico analysis supports that this missense variant has a deleterious effect on protein structure/function; Has not been previously published as pathogenic or benign to our knowledge

NM_017617.5(NOTCH1):c.2299A>C (p.Thr767Pro)

Gene: NOTCH1 (notch receptor 1; minus strand). Cytogenetic location: 9q34.3.
Variant type: single nucleotide variant.
Coding change: c.2299A>C on transcript NM_017617.5 (MANE Select); coding-DNA position 2299, A replaced by C.
Protein change: p.Thr767Pro; replaces threonine 767 with proline.
Molecular consequence: missense variant.
Genome position (GRCh38, 1-based): chr9:136,513,446, T>G on the plus strand (A>C on the coding strand, the complement: NOTCH1 is on the minus strand). VCF-style: chr9-136513446-T-G. GRCh37 (hg19) VCF-style: chr9-139407898-T-G.
Other names: short protein forms T767P.
Identifiers: ClinVar variation 3369218 (VCV003369218.1).